The following is an entry in ClinVar:

NM_001349232.2(ATG7):c.1050G>A (p.Leu350=)

Gene: ATG7 (autophagy related 7; plus strand). Cytogenetic location: 3p25.3.
Variant type: single nucleotide variant.
Coding change: c.1050G>A on transcript NM_001349232.2 (MANE Select); coding-DNA position 1050, G replaced by A.
Protein change: p.Leu350=; no amino-acid change (leucine 350 retained).
Molecular consequence: synonymous variant.
Genome position (GRCh38, 1-based): chr3:11,342,204, G>A. VCF-style: chr3-11342204-G-A. GRCh37 (hg19) VCF-style: chr3-11383678-G-A.
Other names: c.1050G>A, p.Leu350= (NM_001136031.3, NM_001349233.2, NM_001349234.2 and 3 more transcripts); c.933G>A, p.Leu311= (NM_001144912.2, NM_001349236.2); c.117G>A, p.Leu39= (NM_001349238.2).
Identifiers: ClinVar variation 4993810 (VCV004993810.1).

ClinVar aggregate classification (germline): Likely benign (1 of 4 stars; one submission).

Conditions:
ATG7-related disorder. Also called: ATG7-related condition.

gnomAD v4.1: 2 of 1,613,424 alleles (0.00012%); highest among the groups gnomAD compares: African/African-American, 0.0013%; no homozygotes.

Submission:

PreventionGenetics, part of Exact Sciences
Classification: Likely benign for ATG7-related condition. Last evaluated: 2026-07-14. Review status: criteria provided, single submitter. Criteria: ACMG Guidelines, 2015. Collection method: clinical testing. Allele origin: germline.
Comment: This variant is classified as likely benign based on ACMG/AMP sequence variant interpretation guidelines (Richards et al. 2015 PMID: 25741868, with internal and published modifications).